The following is an entry in ClinVar:

ClinVar aggregate classification (germline): Uncertain significance (1 of 4 stars; one submission).

Submission:

Quest Diagnostics Nichols Institute San Juan Capistrano
Classification: Uncertain significance. Last evaluated: 2025-04-14. Review status: criteria provided, single submitter. Criteria: Quest Diagnostics criteria. Collection method: clinical testing. Allele origin: unknown.
Comment: The VWF c.487G>A (p.Gly163Ser) variant has not been reported in individuals with VWF-related conditions in the published literature. It also has not been reported in large, multi-ethnic general populations (Genome Aggregation Database). Analysis of this variant using bioinformatics tools (i.e., MutationTaster and PolyPhen-2) for the prediction of the effect of amino acid changes on protein structure and function yielded predictions that this variant is damaging. Based on the available information, we are unable to determine the clinical significance of this variant.

NM_000552.5(VWF):c.487G>A (p.Gly163Ser)

Gene: VWF (von Willebrand factor; minus strand). Cytogenetic location: 12p13.31.
Variant type: single nucleotide variant.
Coding change: c.487G>A on transcript NM_000552.5 (MANE Select); coding-DNA position 487, G replaced by A.
Protein change: p.Gly163Ser; replaces glycine 163 with serine.
Molecular consequence: missense variant.
Genome position (GRCh38, 1-based): chr12:6,110,419, C>T on the plus strand (G>A on the coding strand, the complement: VWF is on the minus strand). VCF-style: chr12-6110419-C-T. GRCh37 (hg19) VCF-style: chr12-6219585-C-T.
Other names: short protein forms G163S.
Identifiers: ClinVar variation 4533012 (VCV004533012.1).